The following is an entry in ClinVar:

ClinVar aggregate classification (germline): Benign/Likely benign. Review status: criteria provided, multiple submitters, no conflicts (2 of 4 stars). 9 submissions from 9 submitters: Benign (3); Likely benign (6). Last evaluated 2026-01-06.

Conditions:
Renal cysts and diabetes syndrome (RCAD). Also called: Familial hypoplastic, glomerulocystic kidney; MATURITY-ONSET DIABETES OF THE YOUNG, TYPE 5. Identifiers: Orphanet 93111, MedGen C0431693, MONDO:0007669, OMIM 137920.
Nonpapillary renal cell carcinoma. Identifiers: Orphanet 422526, MedGen CN074294, MONDO:0007763, OMIM 144700.
Type 2 diabetes mellitus. Also called: Type II diabetes mellitus. Identifiers: MedGen C0011860, MeSH D003924, MONDO:0005148, OMIM 125853, HP:0005978.
Maturity-onset diabetes of the young (MODY). Also called: Maturity onset diabetes mellitus in young. Identifiers: Orphanet 552, MedGen C0342276, MONDO:0018911, HP:0004904.

Allele frequency attached by ClinVar (database versions not stated): gnomAD exomes 0.00012 and 0.00032; ExAC 0.00032; 1000 Genomes Project 0.00080; 1000 Genomes Project 30x 0.00094; gnomAD 0.00116 and 0.00127; ESP Exome Variant Server 0.00131; TOPMed 0.00143.

Submissions (9):

Labcorp Genetics (formerly Invitae), Labcorp
Classification: Benign. Last evaluated: 2026-01-06. Review status: criteria provided, single submitter. Criteria: Invitae Variant Classification Sherloc (09022015). Collection method: clinical testing. Allele origin: germline.

Women's Health and Genetics/Laboratory Corporation of America, LabCorp
Classification: Benign. Last evaluated: 2024-12-06. Review status: criteria provided, single submitter. Criteria: LabCorp Variant Classification Summary - May 2015. Collection method: clinical testing. Allele origin: germline.

Blueprint Genetics
Classification: Likely benign. Last evaluated: 2023-10-26. Review status: criteria provided, single submitter. Criteria: ACMG Guidelines, 2015. Collection method: clinical testing. Allele origin: germline.

Ambry Genetics
Classification: Likely benign for Maturity-onset diabetes of the young. Last evaluated: 2022-02-17. Review status: criteria provided, single submitter. Criteria: Ambry Variant Classification Scheme 2023. Collection method: clinical testing. Allele origin: germline.

Fulgent Genetics
Classification: Likely benign for Type 2 diabetes mellitus; Renal cysts and diabetes syndrome; Nonpapillary renal cell carcinoma. Last evaluated: 2021-10-28. Review status: criteria provided, single submitter. Criteria: ACMG Guidelines, 2015. Collection method: clinical testing. Allele origin: unknown.

Athena Diagnostics
Classification: Benign. Last evaluated: 2019-05-08. Review status: criteria provided, single submitter. Criteria: Athena Diagnostics Criteria. Collection method: clinical testing. Allele origin: germline.

GeneDx
Classification: Likely benign. Last evaluated: 2016-05-25. Review status: criteria provided, single submitter. Criteria: GeneDx Variant Classification (06012015). Collection method: clinical testing. Allele origin: germline. Affected: yes.
Comment: This variant is considered likely benign or benign based on one or more of the following criteria: it is a conservative change, it occurs at a poorly conserved position in the protein, it is predicted to be benign by multiple in silico algorithms, and/or has population frequency not consistent with disease.

Eurofins Ntd Llc (ga)
Classification: Likely benign. Last evaluated: 2016-01-21. Review status: criteria provided, single submitter. Criteria: EGL Classification Definitions 2015. Collection method: clinical testing. Allele origin: germline. Observed: 1 variant allele, 1 heterozygote.

Clinical Genomics, Uppaluri K&H Personalized Medicine Clinic
Classification: Likely benign for Maturity-onset diabetes of the young. Review status: criteria provided, single submitter. Criteria: K & H Uppaluri Personalized Medicine Clinic Variant Classification & Assertion Criteria_Updated V.1. Collection method: research. Allele origin: unknown. Inheritance: Autosomal dominant inheritance.
Comment: HNF1B gene mutations are associated with early onset diabetes and pancreatic atrophy. It is also associated with multiple renal manifestations including renal cysts, Tubulointerstitial disease, glomerulocystic disease, renal hypoplasia, hypomagnesemia.However no sufficient evidence is found to ascertain the role of this particular variant rs145750370, yet.

Literature cited by the submitters: PubMed 24897035 (cited by Clinical Genomics, Uppaluri K&H Personalized Medicine Clinic); PubMed 25536396 (cited by Clinical Genomics, Uppaluri K&H Personalized Medicine Clinic); PubMed 27615128 (cited by Clinical Genomics, Uppaluri K&H Personalized Medicine Clinic); PubMed 28215227 (cited by Clinical Genomics, Uppaluri K&H Personalized Medicine Clinic); PubMed 33434175 (cited by Clinical Genomics, Uppaluri K&H Personalized Medicine Clinic); PubMed 25741167 (cited by Clinical Genomics, Uppaluri K&H Personalized Medicine Clinic); PubMed 26340261 (cited by Clinical Genomics, Uppaluri K&H Personalized Medicine Clinic); PubMed 19639018 (cited by Clinical Genomics, Uppaluri K&H Personalized Medicine Clinic).

NM_000458.4(HNF1B):c.951C>G (p.Ala317=)

Gene: HNF1B (HNF1 homeobox B; minus strand). Cytogenetic location: 17q12.
Variant type: single nucleotide variant.
Coding change: c.951C>G on transcript NM_000458.4 (MANE Select); coding-DNA position 951, C replaced by G.
Protein change: p.Ala317=; no amino-acid change (alanine 317 retained).
Molecular consequence: synonymous variant.
Genome position (GRCh38, 1-based): chr17:37,731,689, G>C on the plus strand (C>G on the coding strand, the complement: HNF1B is on the minus strand). VCF-style: chr17-37731689-G-C. GRCh37 (hg19) VCF-style: chr17-36091680-G-C.
Other names: c.873C>G, p.Ala291= (NM_001165923.4, NM_001304286.2).
Identifiers: ClinVar variation 36855 (VCV000036855.22), dbSNP rs145750370, ClinGen allele CA214371.